The following is an entry in ClinVar:

NM_001042492.3(NF1):c.851_854dup (p.Lys286fs)

Gene: NF1 (neurofibromin 1; plus strand). Cytogenetic location: 17q11.2.
Variant type: Duplication.
Coding change: c.851_854dup on transcript NM_001042492.3 (MANE Select); coding-DNA positions 851 to 854, 4 bases duplicated (TATC; older notation c.851_854dupTATC).
Protein change: p.Lys286fs; shifts the reading frame from lysine 286.
Molecular consequence: frameshift variant.
Genome position (GRCh38, 1-based): chr17:31,182,628-31,182,631, TATC duplicated. VCF-style (leftmost placement, unchanged base first): chr17-31182627-A-ATATC. GRCh37 (hg19) VCF-style: chr17-29509645-A-ATATC.
Other names: c.851_854dup, p.Lys286Ilefs (NM_000267.4); c.851_854dup, p.Lys286fs (NM_001128147.3); short protein forms K286fs.
Identifiers: ClinVar variation 937166 (VCV000937166.6), dbSNP rs2066158952, ClinGen allele CA1139665363.

ClinVar aggregate classification (germline): Pathogenic (1 of 4 stars; one submission).

Conditions:
Neurofibromatosis, type 1 (NF1). Also called: Peripheral type neurofibromatosis; VON RECKLINGHAUSEN DISEASE; Neurofibromatosis, type I; NEUROFIBROMATOSIS, TYPE I, SOMATIC. Identifiers: Orphanet 636, MedGen C0027831, MONDO:0018975, OMIM 162200. Disease mechanism: loss of function.

Submission:

Labcorp Genetics (formerly Invitae), Labcorp
Classification: Pathogenic for Neurofibromatosis, type 1. Last evaluated: 2019-10-02. Review status: criteria provided, single submitter. Criteria: Invitae Variant Classification Sherloc (09022015). Collection method: clinical testing. Allele origin: germline.
Comment: This variant is not present in population databases (ExAC no frequency). For these reasons, this variant has been classified as Pathogenic. This sequence change creates a premature translational stop signal (p.Lys286Ilefs*6) in the NF1 gene. It is expected to result in an absent or disrupted protein product. Loss-of-function variants in NF1 are known to be pathogenic (PMID: 10712197, 23913538). This variant has not been reported in the literature in individuals with NF1-related conditions.

Literature cited by the submitters: PubMed 10712197; PubMed 23913538.